The following is an entry in ClinVar:

ClinVar aggregate classification (germline): Uncertain significance (1 of 4 stars; one submission).

Conditions:
Dystonic disorder. Also called: Dystonia. Identifiers: MedGen C0013421, MONDO:0003441, HP:0001332.

Submission:

Labcorp Genetics (formerly Invitae), Labcorp
Classification: Uncertain significance for Dystonic disorder. Last evaluated: 2023-05-24. Review status: criteria provided, single submitter. Criteria: Invitae Variant Classification Sherloc (09022015). Collection method: clinical testing. Allele origin: germline.
Comment: In summary, the available evidence is currently insufficient to determine the role of this variant in disease. Therefore, it has been classified as a Variant of Uncertain Significance. Algorithms developed to predict the effect of sequence changes on RNA splicing suggest that this variant may disrupt the consensus splice site. Experimental studies and prediction algorithms are not available or were not evaluated, and the functional significance of this variant is currently unknown. This variant has not been reported in the literature in individuals affected with CIZ1-related conditions. This variant is not present in population databases (gnomAD no frequency). This variant, c.680_682del, results in the deletion of 1 amino acid(s) of the CIZ1 protein (p.Glu227del), but otherwise preserves the integrity of the reading frame.

NM_001131016.2(CIZ1):c.678_680delAGA (p.Glu227del)

Gene: CIZ1 (CDKN1A interacting zinc finger protein 1; minus strand). Cytogenetic location: 9q34.11.
Variant type: Deletion.
Coding change: c.678_680delAGA on transcript NM_001131016.2 (MANE Select); coding-DNA positions 678 to 680, AGA deleted.
Protein change: p.Glu227del; deletes glutamic acid 227.
Molecular consequence: inframe deletion.
Genome position: GRCh38 VCF-style: chr9-128180720-CCTT-C. GRCh37 (hg19) VCF-style: chr9-130942999-CCTT-C.
Other names: c.678_680delAGA, p.Glu227del (NM_001131015.2, NM_012127.3); c.663_665delAGA, p.Glu222del (NM_001131017.2); c.606_608delAGA, p.Glu203del (NM_001131018.2); c.768_770delAGA, p.Glu257del (NM_001257975.2); c.375_377delAGA, p.Glu126del (NM_001257976.2); short protein forms E203del, E227del, E222del, E126del, E257del.
Identifiers: ClinVar variation 2902372 (VCV002902372.3), dbSNP rs2538817025, ClinGen allele CA2739265043.